The following is an entry in ClinVar:

ClinVar aggregate classification (germline): Likely pathogenic (1 of 4 stars; one submission).

Submission:

Dasa
Classification: Likely pathogenic. Last evaluated: 2025-02-03. Review status: criteria provided, single submitter. Criteria: DASA Assertion Criteria. Collection method: clinical testing. Allele origin: germline.
Comment: NM_014738.6(TMEM94):c.273-1G>C affects a canonical splice site and is predicted to disrupt normal RNA splicing. Loss of function is an established disease mechanism for TMEM94-associated disorders. Also, this variant is absent from population databases. Based on the currently available evidence, this variant is classified as likely pathogenic.

NM_014738.6(TMEM94):c.273-1G>C

Gene: TMEM94 (transmembrane protein 94; plus strand). Cytogenetic location: 17q25.1.
Variant type: single nucleotide variant.
Coding change: c.273-1G>C on transcript NM_014738.6 (MANE Select); the canonical splice acceptor site of the intron before coding-DNA position 273, G replaced by C.
Molecular consequence: splice acceptor variant.
Genome position (GRCh38, 1-based): chr17:75,486,289, G>C. VCF-style: chr17-75486289-G-C. GRCh37 (hg19) VCF-style: chr17-73482370-G-C.
Other names: c.273-1G>C (NM_001438841.1, NM_001438842.1, NM_001321149.2 and 5 more transcripts); c.303-1G>C (NM_001438843.1, NM_001321148.2, NM_001351203.2 and 1 more transcripts).
Identifiers: ClinVar variation 4856969 (VCV004856969.2).